The following is an entry in ClinVar:

ClinVar aggregate classification (germline): Uncertain significance. Review status: criteria provided, multiple submitters, no conflicts (2 of 4 stars). 2 submissions from 2 submitters: Uncertain significance (2). Last evaluated 2024-03-12.

Allele frequency attached by ClinVar (database versions not stated): TOPMed 0.00002; ExAC 0.00003.

Submissions (2):

Ambry Genetics
Classification: Uncertain significance. Last evaluated: 2024-03-12. Review status: criteria provided, single submitter. Criteria: Ambry Variant Classification Scheme 2023. Collection method: clinical testing. Allele origin: germline.

Labcorp Genetics (formerly Invitae), Labcorp
Classification: Uncertain significance. Last evaluated: 2022-07-12. Review status: criteria provided, single submitter. Criteria: Invitae Variant Classification Sherloc (09022015). Collection method: clinical testing. Allele origin: germline.
Comment: In summary, the available evidence is currently insufficient to determine the role of this variant in disease. Therefore, it has been classified as a Variant of Uncertain Significance. Algorithms developed to predict the effect of missense changes on protein structure and function are either unavailable or do not agree on the potential impact of this missense change (SIFT: "Not Available"; PolyPhen-2: "Probably Damaging"; Align-GVGD: "Not Available"). This variant has not been reported in the literature in individuals affected with IDH3B-related conditions. This variant is present in population databases (rs775550076, gnomAD 0.007%). This sequence change replaces threonine, which is neutral and polar, with methionine, which is neutral and non-polar, at codon 323 of the IDH3B protein (p.Thr323Met).

NM_006899.5(IDH3B):c.968C>T (p.Thr323Met)

Gene: IDH3B (isocitrate dehydrogenase (NAD(+)) 3 non-catalytic subunit beta; minus strand). Cytogenetic location: 20p13.
Variant type: single nucleotide variant.
Coding change: c.968C>T on transcript NM_006899.5 (MANE Select); coding-DNA position 968, C replaced by T.
Protein change: p.Thr323Met; replaces threonine 323 with methionine.
Molecular consequence: missense variant. On other transcripts: non-coding transcript variant (1).
Genome position (GRCh38, 1-based): chr20:2,659,741, G>A on the plus strand (C>T on the coding strand, the complement: IDH3B is on the minus strand). VCF-style: chr20-2659741-G-A. GRCh37 (hg19) VCF-style: chr20-2640387-G-A.
Other names: c.968C>T (NM_006899.2); c.968C>T, p.Thr323Met (NM_001258384.3, NM_001330763.2, NM_174855.4); short protein forms T323M.
Identifiers: ClinVar variation 1936643 (VCV001936643.6), dbSNP rs775550076, ClinGen allele CA9735124.